The following is an entry in ClinVar:

ClinVar aggregate classification (germline): Benign. Review status: criteria provided, single submitter (1 of 4 stars). 2 submissions from 2 submitters: Benign (1). 1 of the submissions does not count toward it. Last evaluated 2022-09-01.

Conditions:
NOS1-related disorder. Also called: NOS1-related condition.

Allele frequency attached by ClinVar (database versions not stated): gnomAD 0.00034; TOPMed 0.00036; ESP Exome Variant Server 0.00055; ExAC 0.00062.
gnomAD v4.1: 673 of 1,614,060 alleles (0.042%); highest among the groups gnomAD compares: South Asian, 0.24%; 1 homozygote.

Submissions (2):

CeGaT Center for Human Genetics Tuebingen
Classification: Benign. Last evaluated: 2022-09-01. Review status: criteria provided, single submitter. Criteria: CeGaT Center For Human Genetics Tuebingen Variant Classification Criteria Version 2. Collection method: clinical testing. Allele origin: germline. Affected: yes. Observed: 1 variant allele.
Comment: NOS1: BP4, BP7, BS1, BS2

PreventionGenetics, part of Exact Sciences
Classification: Benign for NOS1-related condition. Last evaluated: 2019-07-29. Review status: no assertion criteria provided. Collection method: clinical testing. Allele origin: germline. Not counted in ClinVar's aggregate classification.
Comment: This variant is classified as benign based on ACMG/AMP sequence variant interpretation guidelines (Richards et al. 2015 PMID: 25741868, with internal and published modifications).

NM_000620.5(NOS1):c.1425C>T (p.His475=)

Gene: NOS1 (nitric oxide synthase 1; minus strand). Cytogenetic location: 12q24.22.
Variant type: single nucleotide variant.
Coding change: c.1425C>T on transcript NM_000620.5 (MANE Select); coding-DNA position 1425, C replaced by T.
Protein change: p.His475=; no amino-acid change (histidine 475 retained).
Molecular consequence: synonymous variant.
Genome position (GRCh38, 1-based): chr12:117,280,824, G>A on the plus strand (C>T on the coding strand, the complement: NOS1 is on the minus strand). VCF-style: chr12-117280824-G-A. GRCh37 (hg19) VCF-style: chr12-117718629-G-A.
Other names: c.417C>T, p.His139= (NM_001204213.2, NM_001204214.2); c.1425C>T, p.His475= (NM_001204218.2); c.1425C>T (NM_001204218.1).
Identifiers: ClinVar variation 2643377 (VCV002643377.25), dbSNP rs201316068, ClinGen allele CA6815143.